The following is an entry in ClinVar:

ClinVar aggregate classification (germline): not provided (0 of 4 stars; one submission).

Submission:

ITMI
No classification provided. Condition: AllHighlyPenetrant. Last evaluated: 2013-09-19. Review status: no classification provided. Collection method: reference population. Allele origin: germline.
Comment: Please see associated publication for description of ethnicities

Literature cited by the submitters: PubMed 24728327.

NM_004187.5(KDM5C):c.2705A>G (p.Gln902Arg)

Gene: KDM5C (lysine demethylase 5C; minus strand). Cytogenetic location: Xp11.22.
Variant type: single nucleotide variant.
Coding change: c.2705A>G on transcript NM_004187.5 (MANE Select); coding-DNA position 2705, A replaced by G.
Protein change: p.Gln902Arg; replaces glutamine 902 with arginine.
Molecular consequence: missense variant. On other transcripts: non-coding transcript variant (3).
Genome position (GRCh38, 1-based): chrX:53,196,962, T>C on the plus strand (A>G on the coding strand, the complement: KDM5C is on the minus strand). VCF-style: chrX-53196962-T-C. GRCh37 (hg19) VCF-style: chrX-53226144-T-C.
Other names: c.2504A>G, p.Gln835Arg (NM_001146702.2); c.2702A>G, p.Gln901Arg (NM_001282622.3, NM_001353979.2, NM_001353982.2); c.2705A>G, p.Gln902Arg (NM_001353978.3, NM_001353981.2, NM_001353984.2); short protein forms Q902R, Q835R, Q901R.
Identifiers: ClinVar variation 134588 (VCV000134588.1), dbSNP rs797044472, ClinGen allele CA160272.